The following is an entry in ClinVar:

NM_000214.3(JAG1):c.3417_3418inv (p.Glu1140Lys)

Gene: JAG1 (jagged canonical Notch ligand 1; minus strand). Cytogenetic location: 20p12.2.
Variant type: Inversion.
Coding change: c.3417_3418inv on transcript NM_000214.3 (MANE Select).
Protein change: p.Glu1140Lys; replaces glutamic acid 1140 with lysine.
Molecular consequence: missense variant.
Genome position: GRCh38 VCF-style: chr20-10639737-CA-TG. GRCh37 (hg19) VCF-style: chr20-10620385-CA-TG.
Other names: short protein forms E1140K.
Identifiers: ClinVar variation 1378467 (VCV001378467.5), ClinGen allele CA2573156837.

ClinVar aggregate classification (germline): Uncertain significance (1 of 4 stars; one submission).

Conditions:
Alagille syndrome due to a JAG1 point mutation. Also called: HEPATIC DUCTULAR HYPOPLASIA, SYNDROMATIC; Alagille Syndrome 1; JAG1-Related Alagille Syndrome. Identifiers: Orphanet 261619, Orphanet 52, MedGen C1956125, MONDO:0016862, OMIM 118450.

Submission:

Labcorp Genetics (formerly Invitae), Labcorp
Classification: Uncertain significance for Alagille syndrome due to a JAG1 point mutation. Last evaluated: 2023-07-19. Review status: criteria provided, single submitter. Criteria: Invitae Variant Classification Sherloc (09022015). Collection method: clinical testing. Allele origin: germline.
Comment: This sequence change replaces glutamic acid, which is acidic and polar, with lysine, which is basic and polar, at codon 1140 of the JAG1 protein (p.Glu1140Lys). Information on the frequency of this variant in the gnomAD database is not available, as this variant may be reported differently in the database. This variant has not been reported in the literature in individuals affected with JAG1-related conditions. ClinVar contains an entry for this variant (Variation ID: 1378467). Experimental studies and prediction algorithms are not available or were not evaluated, and the functional significance of this variant is currently unknown. In summary, the available evidence is currently insufficient to determine the role of this variant in disease. Therefore, it has been classified as a Variant of Uncertain Significance.